The following is an entry in ClinVar:

NM_001130823.3(DNMT1):c.4754T>C (p.Ile1585Thr)

Genes: DNMT1 (DNA methyltransferase 1; minus strand), LOC126862853 (CDK7 strongly-dependent group 2 enhancer GRCh37_chr19:10246117-10247316; plus strand). Cytogenetic location: 19p13.2.
Variant type: single nucleotide variant.
Coding change: c.4754T>C on transcript NM_001130823.3 (MANE Select); coding-DNA position 4754, T replaced by C.
Protein change: p.Ile1585Thr; replaces isoleucine 1585 with threonine.
Molecular consequence: missense variant.
Genome position (GRCh38, 1-based): chr19:10,135,755, A>G on the plus strand (T>C on the coding strand, the complement: DNMT1 is on the minus strand). VCF-style: chr19-10135755-A-G. GRCh37 (hg19) VCF-style: chr19-10246431-A-G.
Other names: c.4715T>C, p.Ile1572Thr (NM_001318730.2); c.4391T>C, p.Ile1464Thr (NM_001318731.2); c.4706T>C, p.Ile1569Thr (NM_001379.4); short protein forms I1569T, I1572T, I1585T, I1464T.
Identifiers: ClinVar variation 1380008 (VCV001380008.6), dbSNP rs750769453, ClinGen allele CA9187436.

ClinVar aggregate classification (germline): Uncertain significance (1 of 4 stars; one submission).

Conditions:
Hereditary sensory neuropathy-deafness-dementia syndrome. Also called: Hereditary sensory neuropathy type IE; HSN IE; NEUROPATHY, HEREDITARY SENSORY, WITH HEARING LOSS AND DEMENTIA; Hereditary Sensory and Autonomic Neuropathy Type 1E (HSAN1E). Identifiers: Orphanet 456318, MedGen C3279885, MONDO:0013584, OMIM 614116.

Allele frequency attached by ClinVar (database versions not stated): gnomAD exomes below 0.00001; ExAC 0.00002.
gnomAD v4.1: 1 of 1,606,414 alleles (0.000062%); highest among the groups gnomAD compares: Admixed American, 0.0017%; no homozygotes.

Submission:

Labcorp Genetics (formerly Invitae), Labcorp
Classification: Uncertain significance for Hereditary sensory neuropathy-deafness-dementia syndrome. Last evaluated: 2022-11-08. Review status: criteria provided, single submitter. Criteria: Invitae Variant Classification Sherloc (09022015). Collection method: clinical testing. Allele origin: germline.
Comment: In summary, the available evidence is currently insufficient to determine the role of this variant in disease. Therefore, it has been classified as a Variant of Uncertain Significance. Advanced modeling of protein sequence and biophysical properties (such as structural, functional, and spatial information, amino acid conservation, physicochemical variation, residue mobility, and thermodynamic stability) performed at Invitae indicates that this missense variant is not expected to disrupt DNMT1 protein function. ClinVar contains an entry for this variant (Variation ID: 1380008). This variant has not been reported in the literature in individuals affected with DNMT1-related conditions. This variant is present in population databases (rs750769453, gnomAD 0.003%). This sequence change replaces isoleucine, which is neutral and non-polar, with threonine, which is neutral and polar, at codon 1585 of the DNMT1 protein (p.Ile1585Thr).